The following is an entry in ClinVar:

NM_030665.4(RAI1):c.3861G>T (p.Glu1287Asp)

Gene: RAI1 (retinoic acid induced 1; plus strand). Cytogenetic location: 17p11.2.
Variant type: single nucleotide variant.
Coding change: c.3861G>T on transcript NM_030665.4 (MANE Select); coding-DNA position 3861, G replaced by T.
Protein change: p.Glu1287Asp; replaces glutamic acid 1287 with aspartic acid.
Molecular consequence: missense variant.
Genome position (GRCh38, 1-based): chr17:17,796,809, G>T. VCF-style: chr17-17796809-G-T. GRCh37 (hg19) VCF-style: chr17-17700123-G-T.
Other names: short protein forms E1287D.
Identifiers: ClinVar variation 4708305 (VCV004708305.1).

ClinVar aggregate classification (germline): Uncertain significance (1 of 4 stars; one submission).

gnomAD v4.1: 3 of 1,611,018 alleles (0.00019%); highest among the groups gnomAD compares: African/African-American, 0.004%; no homozygotes.

Submission:

Labcorp Genetics (formerly Invitae), Labcorp
Classification: Uncertain significance. Last evaluated: 2025-09-23. Review status: criteria provided, single submitter. Criteria: Invitae Variant Classification Sherloc (09022015). Collection method: clinical testing. Allele origin: germline.
Comment: This sequence change replaces glutamic acid, which is acidic and polar, with aspartic acid, which is acidic and polar, at codon 1287 of the RAI1 protein (p.Glu1287Asp). This variant is not present in population databases (gnomAD no frequency). This variant has not been reported in the literature in individuals affected with RAI1-related conditions. Invitae Evidence Modeling of protein sequence and biophysical properties (such as structural, functional, and spatial information, amino acid conservation, physicochemical variation, residue mobility, and thermodynamic stability) indicates that this missense variant is not expected to disrupt RAI1 protein function with a negative predictive value of 80%. In summary, the available evidence is currently insufficient to determine the role of this variant in disease. Therefore, it has been classified as a Variant of Uncertain Significance.